The following is an entry in ClinVar:

ClinVar aggregate classification (germline): Uncertain significance. Review status: criteria provided, multiple submitters, no conflicts (2 of 4 stars). 3 submissions from 3 submitters: Uncertain significance (3). Last evaluated 2026-02-02.

Conditions:
Hereditary cancer-predisposing syndrome. Also called: Hereditary Cancer Syndrome; Neoplastic Syndromes, Hereditary; Tumor predisposition; Hereditary neoplastic syndrome. Identifiers: Orphanet 140162, MedGen C0027672, MeSH D009386, MONDO:0015356.
Tuberous sclerosis 1 (TSC1). Identifiers: Orphanet 805, MedGen C1854465, MONDO:0008612, OMIM 191100.
Tuberous sclerosis syndrome (TSC). Also called: Tuberous Sclerosis Complex; Tuberous sclerosis. Identifiers: Orphanet 805, MedGen C0041341, MONDO:0001734.

Submissions (3):

Ambry Genetics
Classification: Uncertain significance for Hereditary cancer-predisposing syndrome. Last evaluated: 2026-02-02. Review status: criteria provided, single submitter. Criteria: Ambry Variant Classification Scheme 2023. Collection method: clinical testing. Allele origin: germline.
Comment: The p.K518N variant (also known as c.1554G>T), located in coding exon 13 of the TSC1 gene, results from a G to T substitution at nucleotide position 1554. The lysine at codon 518 is replaced by asparagine, an amino acid with similar properties. This amino acid position is well conserved in available vertebrate species. In addition, this alteration is predicted to be tolerated by in silico analysis. Based on the available evidence, the clinical significance of this variant remains unclear.

Color Diagnostics, LLC DBA Color Health
Classification: Uncertain significance for Tuberous sclerosis syndrome. Last evaluated: 2025-09-29. Review status: criteria provided, single submitter. Criteria: ACMG Guidelines, 2015. Collection method: clinical testing. Allele origin: germline.
Comment: This missense variant replaces lysine with asparagine at codon 518 of the TSC1 protein. Computational prediction suggests that this variant may not impact protein structure and function. To our knowledge, functional studies have not been reported for this variant. This variant has not been reported in individuals affected with TSC1-related disorders in the literature. This variant has not been identified in the general population by the Genome Aggregation Database (gnomAD). The available evidence is insufficient to determine the role of this variant in disease conclusively. Therefore, this variant is classified as a Variant of Uncertain Significance.

Labcorp Genetics (formerly Invitae), Labcorp
Classification: Uncertain significance for Tuberous sclerosis 1. Last evaluated: 2024-11-18. Review status: criteria provided, single submitter. Criteria: Invitae Variant Classification Sherloc (09022015). Collection method: clinical testing. Allele origin: germline.
Comment: This sequence change replaces lysine, which is basic and polar, with asparagine, which is neutral and polar, at codon 518 of the TSC1 protein (p.Lys518Asn). This variant is not present in population databases (gnomAD no frequency). This variant has not been reported in the literature in individuals affected with TSC1-related conditions. Invitae Evidence Modeling of protein sequence and biophysical properties (such as structural, functional, and spatial information, amino acid conservation, physicochemical variation, residue mobility, and thermodynamic stability) indicates that this missense variant is not expected to disrupt TSC1 protein function with a negative predictive value of 95%. In summary, the available evidence is currently insufficient to determine the role of this variant in disease. Therefore, it has been classified as a Variant of Uncertain Significance.

NM_000368.5(TSC1):c.1554G>T (p.Lys518Asn)

Gene: TSC1 (TSC complex subunit 1; minus strand). Cytogenetic location: 9q34.13.
Variant type: single nucleotide variant.
Coding change: c.1554G>T on transcript NM_000368.5 (MANE Select); coding-DNA position 1554, G replaced by T.
Protein change: p.Lys518Asn; replaces lysine 518 with asparagine.
Molecular consequence: missense variant. On other transcripts: non-coding transcript variant (5).
Genome position (GRCh38, 1-based): chr9:132,906,024, C>A on the plus strand (G>T on the coding strand, the complement: TSC1 is on the minus strand). VCF-style: chr9-132906024-C-A. GRCh37 (hg19) VCF-style: chr9-135781411-C-A.
Other names: c.1554G>T, p.Lys518Asn (NM_001406606.1, NM_001406607.1, NM_001406592.1 and 7 more transcripts); c.1551G>T, p.Lys517Asn (NM_001406608.1, NM_001406609.1, NM_001162426.2 and 6 more transcripts); c.1401G>T, p.Lys467Asn (NM_001406610.1, NM_001162427.2); c.1398G>T, p.Lys466Asn (NM_001406611.1, NM_001406612.1, NM_001406613.1); c.1191G>T, p.Lys397Asn (NM_001406614.1, NM_001362177.2, NM_001406615.1 and 5 more transcripts); c.1188G>T, p.Lys396Asn (NM_001406625.1, NM_001406620.1, NM_001406621.1 and 2 more transcripts); c.603G>T, p.Lys201Asn (NM_001406626.1); c.600G>T, p.Lys200Asn (NM_001406627.1, NM_001406628.1); and 1 more; short protein forms K167N, K200N, K466N, K467N, K517N, K201N, K396N, K397N.
Identifiers: ClinVar variation 3631268 (VCV003631268.4).